The following is an entry in ClinVar:

NM_004380.3(CREBBP):c.3836+5G>A

Gene: CREBBP (CREB binding lysine acetyltransferase; minus strand). Cytogenetic location: 16p13.3.
Variant type: single nucleotide variant.
Coding change: c.3836+5G>A on transcript NM_004380.3 (MANE Select); 5 bases into the intron after coding-DNA position 3836, G replaced by A.
Molecular consequence: intron variant.
Genome position (GRCh38, 1-based): chr16:3,749,622, C>T on the plus strand (G>A on the coding strand, the complement: CREBBP is on the minus strand). VCF-style: chr16-3749622-C-T. GRCh37 (hg19) VCF-style: chr16-3799623-C-T.
Other names: c.3722+5G>A (NM_001079846.1).
Identifiers: ClinVar variation 3382571 (VCV003382571.3).

ClinVar aggregate classification (germline): Likely pathogenic (1 of 4 stars; one submission).

Conditions:
Menke-Hennekam syndrome 1 (MKHK1). Identifiers: MedGen C5193034, MONDO:0020763, OMIM 618332.
Rubinstein-Taybi syndrome due to CREBBP mutations (RSTS1). Also called: RUBINSTEIN-TAYBI SYNDROME 1, INCOMPLETE; BROAD THUMB-HALLUX SYNDROME; Rubinstein-Taybi syndrome 1; CREBBP-Related Rubinstein-Taybi Syndrome; BROAD THUMBS AND GREAT TOES, CHARACTERISTIC FACIES, AND IMPAIRED INTELLECTUAL DEVELOPMENT; RUBINSTEIN SYNDROME. Identifiers: Orphanet 353277, Orphanet 783, MedGen C4551859, MONDO:0008393, OMIM 180849.

Submission:

Juno Genomics, Hangzhou Juno Genomics, Inc
Classification: Likely pathogenic for Menke-Hennekam syndrome 1; Rubinstein-Taybi syndrome due to CREBBP mutations. Review status: criteria provided, single submitter. Criteria: ACMG Guidelines, 2015. Collection method: clinical testing. Allele origin: germline.
Comment: Absent from controls (or at extremely low frequency if recessive) in Genome Aggregation Database.;De novo (both maternity and paternity confirmed) in a patient with the disease and no family history.;Multiple lines of computational evidence support a deleterious effect on the gene or gene product.;The prevalence of the variant in affected individuals is significantly increased compared to the prevalence in controls.;Patient's phenotype or family history is highly specific for a disease with a single genetic etiology.